The following is an entry in ClinVar:

NM_057176.3(BSND):c.353_362del (p.Gln118fs)

Gene: BSND (barttin CLCNK type accessory subunit beta; plus strand). Cytogenetic location: 1p32.3.
Variant type: Deletion.
Coding change: c.353_362del on transcript NM_057176.3 (MANE Select); coding-DNA positions 353 to 362, 10 bases deleted (AGATGAAAGT; older notation c.353_362delAGATGAAAGT).
Protein change: p.Gln118fs; shifts the reading frame from glutamine 118.
Molecular consequence: frameshift variant.
Genome position (GRCh38, 1-based): chr1:55,007,077-55,007,086, AGATGAAAGT deleted. VCF-style (leftmost placement, unchanged base first): chr1-55007076-CAGATGAAAGT-C. GRCh37 (hg19) VCF-style: chr1-55472749-CAGATGAAAGT-C.
Other names: short protein forms Q118fs.
Identifiers: ClinVar variation 4063911 (VCV004063911.2).

ClinVar aggregate classification (germline): Likely pathogenic (1 of 4 stars; one submission).

Conditions:
Bartter syndrome. Identifiers: Orphanet 112, MedGen C0004775, MONDO:0015231.

Submission:

Natera, Inc.
Classification: Likely pathogenic for Bartter syndrome. Last evaluated: 2025-05-06. Review status: criteria provided, single submitter. Criteria: Natera Variant Classification Schema (03/2026). Collection method: clinical testing. Allele origin: germline.
Comment: The c.353_362del variant in BSND is a frameshift variant predicted to shift the reading frame beginning at codon 118 and leads to a stop codon 2 codons downstream. This variant is expected to result in nonsense mediated decay, truncation, or a dysfunctional protein product. This variant is rare in the general population with a frequency below the threshold expected for the associated phenotype(s). Given the available evidence, this variant is classified as Likely Pathogenic.